The following is an entry in ClinVar:

NM_201253.3(CRB1):c.2382C>G (p.His794Gln)

Gene: CRB1 (crumbs cell polarity complex component 1; plus strand). Cytogenetic location: 1q31.3.
Variant type: single nucleotide variant.
Coding change: c.2382C>G on transcript NM_201253.3 (MANE Select); coding-DNA position 2382, C replaced by G.
Protein change: p.His794Gln; replaces histidine 794 with glutamine.
Molecular consequence: missense variant. On other transcripts: non-coding transcript variant (2), intron variant (1).
Genome position (GRCh38, 1-based): chr1:197,427,707, C>G. VCF-style: chr1-197427707-C-G. GRCh37 (hg19) VCF-style: chr1-197396837-C-G.
Other names: c.2046C>G, p.His682Gln (NM_001193640.2); c.2175C>G, p.His725Gln (NM_001257965.2); c.2128+5751C>G (NM_001257966.2); short protein forms H794Q, H682Q, H725Q.
Identifiers: ClinVar variation 2149175 (VCV002149175.2), dbSNP rs1558131980, ClinGen allele CA344037094.

ClinVar aggregate classification (germline): Uncertain significance (1 of 4 stars; one submission).

Conditions:
Retinitis pigmentosa 12 (RP12). Also called: RP WITH OR WITHOUT PPRPE; RP WITH OR WITHOUT PRESERVED PARAARTERIOLE RETINAL PIGMENT EPITHELIUM; RETINITIS PIGMENTOSA WITH OR WITHOUT PARAARTERIOLAR PRESERVATION OF RETINAL PIGMENT EPITHELIUM. Identifiers: Orphanet 791, MedGen C1838647, MONDO:0010818, OMIM 600105.
Leber congenital amaurosis 8 (LCA8). Identifiers: Orphanet 65, MedGen C3151202, MONDO:0013453, OMIM 613835.

Allele frequency attached by ClinVar (database versions not stated): TOPMed below 0.00001; gnomAD exomes 0.00001.
gnomAD v4.1: 12 of 1,613,912 alleles (0.00074%); highest among the groups gnomAD compares: Non-Finnish European, 0.001%; no homozygotes.

Submission:

Labcorp Genetics (formerly Invitae), Labcorp
Classification: Uncertain significance for Leber congenital amaurosis 8; Retinitis pigmentosa 12. Last evaluated: 2025-09-09. Review status: criteria provided, single submitter. Criteria: Invitae Variant Classification Sherloc (09022015). Collection method: clinical testing. Allele origin: germline.
Comment: This sequence change replaces histidine, which is basic and polar, with glutamine, which is neutral and polar, at codon 794 of the CRB1 protein (p.His794Gln). This variant is not present in population databases (gnomAD no frequency). This variant has not been reported in the literature in individuals affected with CRB1-related conditions. ClinVar contains an entry for this variant (Variation ID: 2149175). Invitae Evidence Modeling of protein sequence and biophysical properties (such as structural, functional, and spatial information, amino acid conservation, physicochemical variation, residue mobility, and thermodynamic stability) has been performed for this missense variant. However, the output from this modeling did not meet the statistical confidence thresholds required to predict the impact of this variant on CRB1 protein function. In summary, the available evidence is currently insufficient to determine the role of this variant in disease. Therefore, it has been classified as a Variant of Uncertain Significance.